The following is an entry in ClinVar:

NM_032217.5(ANKRD17):c.5935A>G (p.Thr1979Ala)

Gene: ANKRD17 (ankyrin repeat domain 17; minus strand). Cytogenetic location: 4q13.3.
Variant type: single nucleotide variant.
Coding change: c.5935A>G on transcript NM_032217.5 (MANE Select); coding-DNA position 5935, A replaced by G.
Protein change: p.Thr1979Ala; replaces threonine 1979 with alanine.
Molecular consequence: missense variant.
Genome position (GRCh38, 1-based): chr4:73,091,693, T>C on the plus strand (A>G on the coding strand, the complement: ANKRD17 is on the minus strand). VCF-style: chr4-73091693-T-C. GRCh37 (hg19) VCF-style: chr4-73957410-T-C.
Other names: c.5596A>G, p.Thr1866Ala (NM_001286771.3); c.5932A>G, p.Thr1978Ala (NM_015574.2); c.5182A>G, p.Thr1728Ala (NM_198889.3); short protein forms T1728A, T1866A, T1978A, T1979A.
Identifiers: ClinVar variation 3047211 (VCV003047211.2), dbSNP rs78364977, ClinGen allele CA2958066.

ClinVar aggregate classification (germline): Uncertain significance (0 of 4 stars; one submission).

Conditions:
ANKRD17-related disorder. Also called: ANKRD17-related condition.

Allele frequency attached by ClinVar (database versions not stated): gnomAD 0.00006; gnomAD exomes 0.00007; ExAC 0.00008; ESP Exome Variant Server 0.00008; 1000 Genomes Project 30x 0.00031; 1000 Genomes Project 0.00040.
gnomAD v4.1: 107 of 1,614,174 alleles (0.0066%); highest among the groups gnomAD compares: Middle Eastern, 0.049%; 1 homozygote.

Submission:

PreventionGenetics, part of Exact Sciences
Classification: Uncertain significance for ANKRD17-related condition. Last evaluated: 2024-01-10. Review status: no assertion criteria provided. Collection method: clinical testing. Allele origin: germline.
Comment: The ANKRD17 c.5935A>G variant is predicted to result in the amino acid substitution p.Thr1979Ala. To our knowledge, this variant has not been reported in the literature. This variant is reported in 0.020% of alleles in individuals of East Asian descent in gnomAD, which is more common than expected for a primary cause of autosomal dominant disease. Although we suspect that this variant may be benign, at this time, the clinical significance is uncertain due to the absence of conclusive functional and genetic evidence.